The following is an entry in ClinVar:

ClinVar aggregate classification (germline): Uncertain significance (1 of 4 stars; one submission).

gnomAD v4.1: 1 of 1,614,148 alleles (0.000062%); no homozygotes.

Submission:

Labcorp Genetics (formerly Invitae), Labcorp
Classification: Uncertain significance. Last evaluated: 2024-06-11. Review status: criteria provided, single submitter. Criteria: Invitae Variant Classification Sherloc (09022015). Collection method: clinical testing. Allele origin: germline.
Comment: This sequence change replaces lysine, which is basic and polar, with asparagine, which is neutral and polar, at codon 463 of the HYOU1 protein (p.Lys463Asn). This variant is present in population databases (rs782636857, gnomAD 0.01%). This variant has not been reported in the literature in individuals affected with HYOU1-related conditions. An algorithm developed to predict the effect of missense changes on protein structure and function (PolyPhen-2) suggests that this variant is likely to be disruptive. In summary, the available evidence is currently insufficient to determine the role of this variant in disease. Therefore, it has been classified as a Variant of Uncertain Significance.

NM_006389.5(HYOU1):c.1389G>C (p.Lys463Asn)

Gene: HYOU1 (hypoxia up-regulated 1; minus strand). Cytogenetic location: 11q23.3.
Variant type: single nucleotide variant.
Coding change: c.1389G>C on transcript NM_006389.5 (MANE Select); coding-DNA position 1389, G replaced by C.
Protein change: p.Lys463Asn; replaces lysine 463 with asparagine.
Molecular consequence: missense variant.
Genome position (GRCh38, 1-based): chr11:119,051,575, C>G on the plus strand (G>C on the coding strand, the complement: HYOU1 is on the minus strand). VCF-style: chr11-119051575-C-G. GRCh37 (hg19) VCF-style: chr11-118922287-C-G.
Other names: c.1389G>C, p.Lys463Asn (NM_001130991.3, NM_001411041.1); short protein forms K463N.
Identifiers: ClinVar variation 2778245 (VCV002778245.3), dbSNP rs782636857, ClinGen allele CA229621960.